The following is an entry in ClinVar:

NM_006940.6(SOX5):c.281G>T (p.Gly94Val)

Gene: SOX5 (SRY-box transcription factor 5; minus strand). Cytogenetic location: 12p12.1.
Variant type: single nucleotide variant.
Coding change: c.281G>T on transcript NM_006940.6 (MANE Select); coding-DNA position 281, G replaced by T.
Protein change: p.Gly94Val; replaces glycine 94 with valine.
Molecular consequence: missense variant.
Genome position (GRCh38, 1-based): chr12:23,846,183, C>A on the plus strand (G>T on the coding strand, the complement: SOX5 is on the minus strand). VCF-style: chr12-23846183-C-A. GRCh37 (hg19) VCF-style: chr12-23999117-C-A.
Other names: c.242G>T, p.Gly81Val (NM_001261414.3, NM_152989.5); c.251G>T, p.Gly84Val (NM_001261415.3); c.176G>T, p.Gly59Val (NM_001330785.2); short protein forms G59V, G81V, G84V, G94V.
Identifiers: ClinVar variation 3052190 (VCV003052190.2), dbSNP rs773037489, ClinGen allele CA6484392.

ClinVar aggregate classification (germline): Likely benign (0 of 4 stars; one submission).

Conditions:
SOX5-related disorder. Also called: SOX5-related condition.

Allele frequency attached by ClinVar (database versions not stated): TOPMed 0.00002; ExAC 0.00003; gnomAD 0.00003.
gnomAD v4.1: 52 of 1,612,830 alleles (0.0032%); highest among the groups gnomAD compares: Non-Finnish European, 0.00068%; no homozygotes.

Submission:

PreventionGenetics, part of Exact Sciences
Classification: Likely benign for SOX5-related condition. Last evaluated: 2022-12-29. Review status: no assertion criteria provided. Collection method: clinical testing. Allele origin: germline.
Comment: This variant is classified as likely benign based on ACMG/AMP sequence variant interpretation guidelines (Richards et al. 2015 PMID: 25741868, with internal and published modifications).